The following is an entry in ClinVar:

NM_000522.5(HOXA13):c.375T>G (p.Ala125=)

Genes: HOXA13 (homeobox A13; minus strand), LOC107126288 (NUP98-HOXA13 recombination region; plus strand). Cytogenetic location: 7p15.2.
Variant type: single nucleotide variant.
Coding change: c.375T>G on transcript NM_000522.5 (MANE Select); coding-DNA position 375, T replaced by G.
Protein change: p.Ala125=; no amino-acid change (alanine 125 retained).
Molecular consequence: synonymous variant.
Genome position (GRCh38, 1-based): chr7:27,199,703, A>C on the plus strand (T>G on the coding strand, the complement: HOXA13 is on the minus strand). VCF-style: chr7-27199703-A-C. GRCh37 (hg19) VCF-style: chr7-27239322-A-C.
Identifiers: ClinVar variation 3040337 (VCV003040337.2), dbSNP rs929280354, ClinGen allele CA454513889.

ClinVar aggregate classification (germline): Likely benign (0 of 4 stars; one submission).

Conditions:
HOXA13-related disorder. Also called: HOXA13-related condition.

Allele frequency attached by ClinVar (database versions not stated): TOPMed below 0.00001.

Submission:

PreventionGenetics, part of Exact Sciences
Classification: Likely benign for HOXA13-related condition. Last evaluated: 2022-01-19. Review status: no assertion criteria provided. Collection method: clinical testing. Allele origin: germline.
Comment: This variant is classified as likely benign based on ACMG/AMP sequence variant interpretation guidelines (Richards et al. 2015 PMID: 25741868, with internal and published modifications).